The following is an entry in ClinVar:

NM_000064.4(C3):c.2272G>C (p.Glu758Gln)

Gene: C3 (complement C3; minus strand). Cytogenetic location: 19p13.3.
Variant type: single nucleotide variant.
Coding change: c.2272G>C on transcript NM_000064.4 (MANE Select); coding-DNA position 2272, G replaced by C.
Protein change: p.Glu758Gln; replaces glutamic acid 758 with glutamine.
Molecular consequence: missense variant.
Genome position (GRCh38, 1-based): chr19:6,702,553, C>G on the plus strand (G>C on the coding strand, the complement: C3 is on the minus strand). VCF-style: chr19-6702553-C-G. GRCh37 (hg19) VCF-style: chr19-6702564-C-G.
Other names: short protein forms E758Q.
Identifiers: ClinVar variation 4280156 (VCV004280156.1).

ClinVar aggregate classification (germline): Uncertain significance (1 of 4 stars; one submission).

Conditions:
Complement component 3 deficiency. Identifiers: Orphanet 280133, MedGen C3151071, MONDO:0013417, OMIM 613779.
C3 glomerulonephritis. Also called: Nephropathy due to CFHR5 Deficiency; C3 GLOMERULOPATHY 3. Identifiers: Orphanet 329931, MedGen C4055342, MONDO:0013892, OMIM 614809.
Atypical hemolytic-uremic syndrome. Identifiers: Orphanet 2134, MedGen C2931788, MONDO:0016244.

Submission:

Genomenon, Inc
Classification: Uncertain significance for Complement component 3 deficiency; C3 glomerulonephritis; Atypical hemolytic-uremic syndrome. Last evaluated: 2025-09-30. Review status: criteria provided, single submitter. Criteria: Genomenon Sequence Variant Interpretation Standards. Collection method: curation. Allele origin: germline. Affected: no.
Comment: C3 p.Glu758Gln (c.2272G>C) is a missense variant that changes the amino acid at residue 758 from Glutamic acid to Glutamine. This variant has been reported in the published literature (PMID:9988761). It is absent or not present at a significant frequency in gnomAD. In silico models agree that this variant is not damaging. In conclusion, we classify C3 p.Glu758Gln (c.2272G>C) as a variant of unknown significance.

Literature cited by the submitters: PubMed 9988761.